The following is an entry in ClinVar:

ClinVar aggregate classification (germline): Uncertain significance (1 of 4 stars; one submission).

gnomAD v4.1: 1 of 1,605,652 alleles (0.000062%); highest among the groups gnomAD compares: Non-Finnish European, 0.000085%; no homozygotes.

Submission:

Labcorp Genetics (formerly Invitae), Labcorp
Classification: Uncertain significance. Last evaluated: 2024-10-11. Review status: criteria provided, single submitter. Criteria: Invitae Variant Classification Sherloc (09022015). Collection method: clinical testing. Allele origin: germline.
Comment: This sequence change replaces glycine, which is neutral and non-polar, with serine, which is neutral and polar, at codon 373 of the TCIRG1 protein (p.Gly373Ser). This variant is not present in population databases (gnomAD no frequency). This variant has not been reported in the literature in individuals affected with TCIRG1-related conditions. Invitae Evidence Modeling of protein sequence and biophysical properties (such as structural, functional, and spatial information, amino acid conservation, physicochemical variation, residue mobility, and thermodynamic stability) indicates that this missense variant is not expected to disrupt TCIRG1 protein function with a negative predictive value of 80%. In summary, the available evidence is currently insufficient to determine the role of this variant in disease. Therefore, it has been classified as a Variant of Uncertain Significance.

NM_006019.4(TCIRG1):c.1117G>A (p.Gly373Ser)

Gene: TCIRG1 (T cell immune regulator 1, ATPase H+ transporting V0 subunit a3; plus strand). Cytogenetic location: 11q13.2.
Variant type: single nucleotide variant.
Coding change: c.1117G>A on transcript NM_006019.4 (MANE Select); coding-DNA position 1117, G replaced by A.
Protein change: p.Gly373Ser; replaces glycine 373 with serine.
Molecular consequence: missense variant.
Genome position (GRCh38, 1-based): chr11:68,045,054, G>A. VCF-style: chr11-68045054-G-A. GRCh37 (hg19) VCF-style: chr11-67812521-G-A.
Other names: c.223G>A, p.Gly75Ser (NM_001351059.2); c.469G>A, p.Gly157Ser (NM_006053.4); short protein forms G157S, G373S, G75S.
Identifiers: ClinVar variation 3610743 (VCV003610743.2).